The following is an entry in ClinVar:

ClinVar aggregate classification (germline): Pathogenic. Review status: criteria provided, multiple submitters, no conflicts (2 of 4 stars). 9 submissions from 9 submitters: Pathogenic (9). Last evaluated 2025-10-30.

Conditions:
POLG-related disorder. Also called: POLG-Related Spectrum Disorders; POLG-related condition; POLG-Related Disorders. Identifiers: MedGen C4763519.
Inborn genetic diseases. Identifiers: MedGen C0950123, MeSH D030342.
Progressive sclerosing poliodystrophy (MTDPS4A). Also called: Alpers Syndrome; Mitochondrial DNA depletion syndrome 4A (Alpers type); Mitochondrial DNA Depletion Syndrome 4A; Alpers-Huttenlocher Syndrome (AHS); ALPERS PROGRESSIVE INFANTILE POLIODYSTROPHY; ALPERS DIFFUSE DEGENERATION OF CEREBRAL GRAY MATTER WITH HEPATIC CIRRHOSIS. Identifiers: Orphanet 726, MedGen C0205710, MONDO:0008758, OMIM 203700.
Mitochondrial DNA depletion syndrome 4b. Also called: Mitochondrial Neurogastrointestinal Encephalopathy Disease, POLG-Related; MNGIE, POLG-RELATED. Identifiers: Orphanet 298, MedGen C3150914, MONDO:0013350, OMIM 613662.
Progressive external ophthalmoplegia with mitochondrial DNA deletions, autosomal dominant 1 (PEOA1). Also called: PROGRESSIVE EXTERNAL OPHTHALMOPLEGIA, AUTOSOMAL DOMINANT 1; Autosomal Dominant Progressive External Ophthalmoplegia (adPEO). Identifiers: MedGen C1834846, MONDO:0024528, OMIM 157640.
Progressive external ophthalmoplegia with mitochondrial DNA deletions, autosomal recessive 1 (PEOB1). Also called: Progressive external ophthalmoplegia, autosomal recessive 1; Autosomal Recessive Progressive External Ophthalmoplegia (arPEO). Identifiers: Orphanet 254886, MedGen C4225153, MONDO:0009783, OMIM 258450.
Sensory ataxic neuropathy, dysarthria, and ophthalmoparesis (SANDO). Also called: Sensory ataxic neuropathy-dysarthria-ophthalmoparesis syndrome; Epilepsy, progressive myoclonic, type 5; SENSORY ATAXIC NEUROPATHY WITH MITOCHONDRIAL DNA DELETIONS, AUTOSOMAL RECESSIVE; Ataxia Neuropathy Spectrum (ANS). Identifiers: Orphanet 70595, MedGen C1843851, MONDO:0011835, OMIM 607459.

Allele frequency attached by ClinVar (database versions not stated): TOPMed 0.00002; gnomAD exomes 0.00004; ExAC 0.00007.
gnomAD v4.1: 31 of 1,614,058 alleles (0.0019%); highest among the groups gnomAD compares: African/African-American, 0.0027%; no homozygotes.

Submissions (9):

GeneDx
Classification: Pathogenic. Last evaluated: 2025-10-30. Review status: criteria provided, single submitter. Criteria: GeneDx Variant Classification Process June 2021. Collection method: clinical testing. Allele origin: germline. Affected: yes.
Comment: Non-canonical splice site variant demonstrated to result in loss of function (PMID: 21670405, 23446635); Not observed at significant frequency in large population cohorts (gnomAD); This variant is associated with the following publications: (PMID: 34777884, 25525159, 32153140, 21880868, 23446635, 21670405, 28480171, 38434220)

Labcorp Genetics (formerly Invitae), Labcorp
Classification: Pathogenic for Progressive sclerosing poliodystrophy. Last evaluated: 2024-10-03. Review status: criteria provided, single submitter. Criteria: Invitae Variant Classification Sherloc (09022015). Collection method: clinical testing. Allele origin: germline.
Comment: This sequence change falls in intron 19 of the POLG gene. It does not directly change the encoded amino acid sequence of the POLG protein. RNA analysis indicates that this variant induces altered splicing and likely results in a shortened protein product. This variant is present in population databases (rs778573169, gnomAD 0.008%). This variant has been observed in individual(s) with progressive external ophthalmoplegia (PMID: 21670405). In at least one individual the data is consistent with being in trans (on the opposite chromosome) from a pathogenic variant. ClinVar contains an entry for this variant (Variation ID: 587863). Variants that disrupt the consensus splice site are a relatively common cause of aberrant splicing (PMID: 17576681, 9536098). Studies have shown that this variant results in skipping of 19, but is expected to preserve the integrity of the reading-frame (PMID: 21670405). For these reasons, this variant has been classified as Pathogenic.

Baylor Genetics
Classification: Pathogenic for Progressive sclerosing poliodystrophy. Last evaluated: 2024-03-18. Review status: criteria provided, single submitter. Criteria: ACMG Guidelines, 2015. Collection method: clinical testing. Allele origin: unknown.

Pittsburgh Clinical Genomics Laboratory, University of Pittsburgh Medical Center
Classification: Pathogenic for Progressive external ophthalmoplegia with mitochondrial DNA deletions, autosomal dominant 1. Last evaluated: 2024-02-21. Review status: criteria provided, single submitter. Criteria: ACMG Guidelines, 2015. Collection method: clinical testing. Allele origin: germline. Inheritance: Autosomal unknown. Affected: yes.
Comment: This sequence variant is a single nucleotide substitution (A>T) three bases past exon 19 of the POLG gene. This is a previously reported variant (ClinVar) that has been observed in the compound heterozygous state with a second pathogenic POLG variant. Affected individuals exhibited a variety of phenotypes including, but not limited to, progressive exterl ophthalmoplegia, ptosis, optic atrophy, hearing loss, muscle weakness, cognitive impairment, exercise intolerance, and mitochondrial myopathy (PMID: 34777884, 23446635, 21670405). This variant is present in 10 of 251,462 alleles in the gnomAD population database (0.004%). Multiple bioinformatic tools predict that A to T nucleotide change would impact R splicing resulting in the loss of the intron 19 donor splice site, however the A at this position is poorly conserved across the vertebrate species examined. R sequencing confirms that this variant disrupts proper splicing, removes exon 19 from the transcript, and causes the in-frame deletion of a portion of the POLG polymerase finger domain (PMID: 23446635, 21670405). Further alysis confirms that this altered splicing results in a shortened protein product that fails to replicate D and has negligible exonuclease activity (PMID: 23446635). Given this information, we consider this a pathogenic variant. ACMG Criteria: PM1, PM2, PM3, PS3

Fulgent Genetics
Classification: Pathogenic for Progressive external ophthalmoplegia with mitochondrial DNA deletions, autosomal dominant 1; Progressive sclerosing poliodystrophy; Progressive external ophthalmoplegia with mitochondrial DNA deletions, autosomal recessive 1; Sensory ataxic neuropathy, dysarthria, and ophthalmoparesis; Mitochondrial DNA depletion syndrome 4b. Last evaluated: 2024-01-10. Review status: criteria provided, single submitter. Criteria: ACMG Guidelines, 2015. Collection method: clinical testing. Allele origin: germline.

Blueprint Genetics
Classification: Pathogenic for POLG-related disorders. Last evaluated: 2023-07-26. Review status: criteria provided, single submitter. Criteria: ACMG Guidelines, 2015. Collection method: clinical testing. Allele origin: germline. Affected: yes. Observed: 2 variant alleles.

Athena Diagnostics
Classification: Pathogenic. Last evaluated: 2022-11-30. Review status: criteria provided, single submitter. Criteria: Athena Diagnostics Criteria. Collection method: clinical testing. Allele origin: unknown.
Comment: The frequency of this variant in the general population is consistent with pathogenicity. This variant has been identified in at least one individual with clinical features associated with this gene. Assessment of experimental evidence suggests this variant results in abnormal protein function. (PMID: 23446635) In multiple individuals, this variant has been seen with a single recessive pathogenic variant in the same gene, suggesting this variant may also be pathogenic.

Wong Mito Lab, Molecular and Human Genetics, Baylor College of Medicine
Classification: Pathogenic for Progressive sclerosing poliodystrophy. Last evaluated: 2018-10-01. Review status: criteria provided, single submitter. Criteria: ACMG Guidelines, 2015. Collection method: clinical testing. Allele origin: germline.
Comment: The NM_002693.2:c.3104+3A>T (NP_002684.1:p.=) [GRCH38: NC_000015.10:g.89319225T>A] variant in POLG gene is interpretated to be a Pathogenic based on ACMG guidelines (PMID: 25741868). This variant has been reported in PMID:21670405 . This variant meets the following evidence codes reported in the ACMG-guideline. PS3:Well established functional studies show a deleterious effect on POLG. PM2:This variant is absent in key population databases. PM3:Detected in trans with a pathogenic variant for Mitochondrial DNA depletion syndrome 4A (Alpers type) which is a recessive disorder. PP1:This variant is co-segregated with Mitochondrial DNA depletion syndrome 4A (Alpers type) in multiple affected family members. PP4:Patient's phenotype or family history is highly specific for POLG. Based on the evidence criteria codes applied, the variant is suggested to be Pathogenic.

Ambry Genetics
Classification: Pathogenic for Inborn genetic diseases. Last evaluated: 2018-08-09. Review status: criteria provided, single submitter. Criteria: Ambry Variant Classification Scheme 2023. Collection method: clinical testing. Allele origin: germline.
Comment: The c.3104+3A>T intronic pathogenic mutation results from an A to T substitution 3 nucleotides after coding exon 18 in the POLG gene. This mutation results in in-frame skipping of coding exon 18, resulting in loss of 41 amino acids and a shortened product, though exon skipping is incomplete and some normal-length transcripts are also produced (Milone M et al. Arch. Neurol. 2011;68(6):806-11; Roos S et al. Hum. Mol. Genet. 2013;22(12):2411-22). This mutation was first described by Milone et al. in two unrelated individuals compound heterozygous for different POLG mutations, who had features of mitochondrial depletion syndrome diagnosed in their sixties, including scattered ragged-red and ragged-blue fibers and numerous cytochrome c oxidase-negative fibers on muscle biopsy, progressive external ophthalmoplegia (PEO), ptosis, and myopathy. The asymptomatic mother of one proband was found to be heterozygous for this mutation. Analyses of DNA synthesis revealed that the shortened transcript was unable to support DNA synthesis. However, the mutant transcript did not interfere with wildtype (WT) POLG activity even when present at a higher molar ratio than the WT, demonstrating an autosomal recessive phenotype for this mutation with adult onset. As such, this alteration is classified as a disease-causing mutation.

Literature cited by the submitters: PubMed 21670405 (cited by 5 submitters); PubMed 17576681 (cited by Labcorp Genetics (formerly Invitae), Labcorp); PubMed 9536098 (cited by Labcorp Genetics (formerly Invitae), Labcorp); PubMed 34777884 (cited by Pittsburgh Clinical Genomics Laboratory, University of Pittsburgh Medical Center and Athena Diagnostics); PubMed 23446635 (cited by 3 submitters); PubMed 28480171 (cited by Ambry Genetics).

NM_002693.3(POLG):c.3104+3A>T

Gene: POLG (DNA polymerase gamma, catalytic subunit; minus strand). Cytogenetic location: 15q26.1.
Variant type: single nucleotide variant.
Coding change: c.3104+3A>T on transcript NM_002693.3 (MANE Select); 3 bases into the intron after coding-DNA position 3104, A replaced by T.
Molecular consequence: intron variant.
Genome position (GRCh38, 1-based): chr15:89,319,225, T>A on the plus strand (A>T on the coding strand, the complement: POLG is on the minus strand). VCF-style: chr15-89319225-T-A. GRCh37 (hg19) VCF-style: chr15-89862456-T-A.
Other names: c.3104+3A>T (NM_001126131.2).
Identifiers: ClinVar variation 587863 (VCV000587863.21), dbSNP rs778573169, ClinGen allele CA7724256.
Genomic context (GRCh38, chr15:89,319,225, plus strand): 5'-CCAAGCTCTTCTGGGGCAAGCCCAGACCCCTCCCTCCATCCTTAACACAAAGAAGGTTCT[T>A]ACTTCCTTGCAGTTTCTCTCTGGACCTTGCGCAGATCCTGCAGGGAAATCCAGCCACCCT-3'